The following is an entry in ClinVar:

NM_005356.5(LCK):c.49A>G (p.Ile17Val)

Gene: LCK (LCK proto-oncogene, Src family tyrosine kinase; plus strand). Cytogenetic location: 1p35.2.
Variant type: single nucleotide variant.
Coding change: c.49A>G on transcript NM_005356.5 (MANE Select); coding-DNA position 49, A replaced by G.
Protein change: p.Ile17Val; replaces isoleucine 17 with valine.
Molecular consequence: missense variant.
Genome position (GRCh38, 1-based): chr1:32,274,378, A>G. VCF-style: chr1-32274378-A-G. GRCh37 (hg19) VCF-style: chr1-32739979-A-G.
Other names: c.49A>G, p.Ile17Val (NM_001042771.3, NM_001330468.2); short protein forms I17V.
Identifiers: ClinVar variation 1370305 (VCV001370305.6), dbSNP rs1422197069, ClinGen allele CA339634168.

ClinVar aggregate classification (germline): Uncertain significance (1 of 4 stars; one submission).

Conditions:
Severe combined immunodeficiency due to LCK deficiency. Also called: Immunodeficiency 22. Identifiers: Orphanet 280142, MedGen C4014233, MONDO:0014334, OMIM 615758.

Allele frequency attached by ClinVar (database versions not stated): gnomAD exomes below 0.00001.
gnomAD v4.1: 1 of 1,614,142 alleles (0.000062%); highest among the groups gnomAD compares: Non-Finnish European, 0.000085%; no homozygotes.

Submission:

Labcorp Genetics (formerly Invitae), Labcorp
Classification: Uncertain significance for Severe combined immunodeficiency due to LCK deficiency. Last evaluated: 2022-11-08. Review status: criteria provided, single submitter. Criteria: Invitae Variant Classification Sherloc (09022015). Collection method: clinical testing. Allele origin: germline.
Comment: Algorithms developed to predict the effect of missense changes on protein structure and function (SIFT, PolyPhen-2, Align-GVGD) all suggest that this variant is likely to be tolerated. In summary, the available evidence is currently insufficient to determine the role of this variant in disease. Therefore, it has been classified as a Variant of Uncertain Significance. ClinVar contains an entry for this variant (Variation ID: 1370305). This variant has not been reported in the literature in individuals affected with LCK-related conditions. This variant is present in population databases (no rsID available, gnomAD 0.0009%). This sequence change replaces isoleucine, which is neutral and non-polar, with valine, which is neutral and non-polar, at codon 17 of the LCK protein (p.Ile17Val).